The following is an entry in ClinVar:

NM_001040142.2(SCN2A):c.1814A>C (p.Asp605Ala)

Gene: SCN2A (sodium voltage-gated channel alpha subunit 2; plus strand). Cytogenetic location: 2q24.3.
Variant type: single nucleotide variant.
Coding change: c.1814A>C on transcript NM_001040142.2 (MANE Select); coding-DNA position 1814, A replaced by C.
Protein change: p.Asp605Ala; replaces aspartic acid 605 with alanine.
Molecular consequence: missense variant.
Genome position (GRCh38, 1-based): chr2:165,323,298, A>C. VCF-style: chr2-165323298-A-C. GRCh37 (hg19) VCF-style: chr2-166179808-A-C.
Other names: c.1814A>C, p.Asp605Ala (NM_001040143.2, NM_001371246.1, NM_001371247.1 and 1 more transcripts); short protein forms D605A.
Identifiers: ClinVar variation 1315916 (VCV001315916.2), dbSNP rs2105276908, ClinGen allele CA349026941.
Genomic context (GRCh38, chr2:165,323,298, plus strand): 5'-AGGACATTGGCTCTGAGAATGACTTTGCTGATGATGAGCACAGCACCTTTGAGGACAATG[A>C]CAGCCGAAGAGACTCTCTGTTCGTGCCGCACAGACATGGAGAACGGCGCCACAGCAATGT-3'
Protein context (NP_001035232.1, residues 595-615): DDEHSTFEDN[Asp605Ala]SRRDSLFVPH

ClinVar aggregate classification (germline): Uncertain significance (1 of 4 stars; one submission).

Submission:

GeneDx
Classification: Uncertain significance. Last evaluated: 2019-11-16. Review status: criteria provided, single submitter. Criteria: GeneDx Variant Classification Process June 2021. Collection method: clinical testing. Allele origin: germline. Affected: yes.
Comment: Not observed in large population cohorts (Lek et al., 2016); The majority of missense variants in this gene are considered pathogenic (Stenson et al., 2014); In silico analysis, which includes protein predictors and evolutionary conservation, supports that this variant does not alter protein structure/function; Has not been previously published as pathogenic or benign to our knowledge; Located within the cytoplasmic loop between the first and second homologous domains (Shi et al., 2012)